The following continues an entry in ClinVar:

NM_000277.3(PAH):c.1139C>T (p.Thr380Met)

Gene: PAH. ClinVar aggregate classification (germline): Pathogenic. Pathogenic (1).

Submissions 10 to 22 of 39:

CeGaT Center for Human Genetics Tuebingen
Classification: Pathogenic. Last evaluated: 2025-03-01. Review status: criteria provided, single submitter. Criteria: CeGaT Center For Human Genetics Tuebingen Variant Classification Criteria Version 2. Collection method: clinical testing. Allele origin: germline. Affected: yes. Observed: 3 variant alleles. Not counted in ClinVar's aggregate classification.
Comment: PAH: PM3:Very Strong, PM2, PP4:Moderate, PS3:Moderate

Myriad Genetics, Inc.
Classification: Pathogenic for Phenylketonuria. Last evaluated: 2024-11-19. Review status: criteria provided, single submitter. Criteria: Myriad Autosomal Dominant, Autosomal Recessive and X-Linked Classification Criteria (2023). Collection method: clinical testing. Allele origin: unknown. Not counted in ClinVar's aggregate classification.
Comment: NM_000277.1(PAH):c.1139C>T(T380M) is classified as likely pathogenic in the context of phenylalanine hydroxylase deficiency. Please note the T380M variant can be associated with the mild forms of phenylalanine hydroxylase deficiency. Sources cited for classification include the following: PMID 27620137, 22698810, 8830172, 10598814, 17096675, 23792259, 9012412, 10394930, 26666653, 27243974, 8533759, 26542770, 23357515, 12655553, 16198137, 9298832, 27121329, 14722928, 18294361, 18299955, 23500595, 8268925, 21307867, 9634518, 23932990, 10693064, 16198137, 8533759, 11385716, 22698810, 24350308, 17924342, 21147011 and 24368688. Classification of NM_000277.1(PAH):c.1139C>T(T380M) is based on the following criteria: This variant has been observed more frequently in patients with clinical diagnoses than in healthy populations. Please note: this variant was assessed in the context of healthy population screening.

Blueprint Genetics
Classification: Pathogenic for PAH-related disorders. Last evaluated: 2024-11-12. Review status: criteria provided, single submitter. Criteria: ACMG Guidelines, 2015. Collection method: clinical testing. Allele origin: germline. Affected: yes. Observed: 5 variant alleles. Not counted in ClinVar's aggregate classification.

Victorian Clinical Genetics Services, Murdoch Childrens Research Institute
Classification: Pathogenic for Phenylketonuria. Last evaluated: 2024-10-09. Review status: criteria provided, single submitter. Criteria: ACMG Guidelines, 2015. Collection method: clinical testing. Allele origin: germline. Inheritance: Autosomal recessive inheritance. Affected: no. Not counted in ClinVar's aggregate classification.
Comment: Based on the classification scheme VCGS_Germline_v1.3.4, this variant is classified as Pathogenic. Following criteria are met: 0102 - Loss of function is a known mechanism of disease in this gene and is associated with phenylketonuria (MIM#261600). (I) 0106 - This gene is associated with autosomal recessive disease. (I) 0200 - Variant is predicted to result in a missense amino acid change from threonine to methionine. (I) 0251 - This variant is heterozygous. (I) 0304 - Variant is present in gnomAD (v2) <0.01 for a recessive condition (116 heterozygotes, 1 homozygote). (SP) 0501 - Missense variant consistently predicted to be damaging by multiple in silico tools or highly conserved with a major amino acid change. (SP) 0600 - Variant is located in the annotated Biopterin H domain (DECIPHER). (I) 0801 - This variant has strong previous evidence of pathogenicity in unrelated individuals. This variant is classified as pathogenic by an expert panel in ClinVar. This variant has been observed in multiple compound heterozygote individuals with hyperphenylalaninemia (PMID: 7981714,8268925), as well as a few homozygous or compound heterozygote individuals with phenylketonuria (PMID: 36937954, 24368688). (SP) 1207 - Parental origin of the variant is unresolved (by trio analysis). (I) Legend: (SP) - Supporting pathogenic, (I) - Information, (SB) - Supporting benign

Genomic Medicine Center of Excellence, King Faisal Specialist Hospital and Research Centre
Classification: Likely pathogenic for Phenylketonuria. Last evaluated: 2024-03-29. Review status: criteria provided, single submitter. Criteria: ACMG Guidelines, 2015. Collection method: clinical testing. Allele origin: germline. Not counted in ClinVar's aggregate classification.

Laboratory of Medical Genetics, National & Kapodistrian University of Athens
Classification: Pathogenic for Phenylketonuria. Last evaluated: 2024-02-01. Review status: criteria provided, single submitter. Criteria: ACMG Guidelines, 2015. Collection method: curation. Allele origin: germline. Affected: no. Not counted in ClinVar's aggregate classification.

Ambry Genetics
Classification: Pathogenic for Inborn genetic diseases. Last evaluated: 2023-04-12. Review status: criteria provided, single submitter. Criteria: Ambry Variant Classification Scheme 2023. Collection method: clinical testing. Allele origin: germline. Not counted in ClinVar's aggregate classification.
Comment: The c.1139C>T (p.T380M) alteration is located in exon 11 (coding exon 11) of the PAH gene. This alteration results from a C to T substitution at nucleotide position 1139, causing the threonine (T) at amino acid position 380 to be replaced by a methionine (M). Based on data from gnomAD, the T allele has an overall frequency of 0.042% (118/282648) total alleles studied. The highest observed frequency was 0.473% (49/10364) of Ashkenazi Jewish alleles. This alteration was detected in the homozygous state and in conjunction with another alteration in PAH in multiple individuals with phenylalanine hydroxylase deficiency (Mart&iacute;n-Rivada, 2022; Odagiri,2021; Ald&aacute;miz-Echevarr&iacute;a, 2016; Bayat, 2016; Bercovich, 2008; Bercovich, 2008; Fiori, 2005; Mallolas, 1999, Zekanowski, 1997). This amino acid position is highly conserved in available vertebrate species. Functional assays show reduced enzyme activity in vitro (Heintz, 2012; Trunzo, 2016). This alteration is predicted to be deleterious by in silico analysis. Based on the available evidence, this alteration is classified as pathogenic.

Laboratory for Molecular Medicine, Mass General Brigham Personalized Medicine
Classification: Pathogenic for Phenylketonuria. Last evaluated: 2022-06-30. Review status: criteria provided, single submitter. Criteria: ACMG Guidelines, 2015. Collection method: clinical testing. Allele origin: germline. Not counted in ClinVar's aggregate classification.
Comment: The p.Thr380Met variant in PAH has been reported in at least seven individuals with phenylalanine hydroxylase deficiency including six compound heterozygotes of which five have pathogenic variants in trans as classified by the ClinGen PAH Variant Curation Expert Panel (Guldberg 1993 PMID: 8268925, Guo 2018 PMID: 29731766, Zschocke 1994 PMID: 7981714). It has also been identified in 0.52% (18/3472) of Ashkenazi Jewish chromosomes by gnomAD. This variant has been reported in ClinVar as pathogenic by the ClinGen PAH Variant Curation Expert Panel using the . ACMG-AMP criteria specific for phenylalanine hydroxylase variants (Zastrow 2018 PMID: 30311390) and is curated in the FDA-recognized human genetic variant database (Variation ID 628). Computational prediction tools and conservation analyses suggest that this variant may impact the protein, though this information is not predictive enough to determine pathogenicity. In vitro functional studies provide some evidence that this variant impacts protein function and decreases PAH activity to 28% (Trunzo 2016 PMID: 27620137); however, these types of assays may not accurately represent biological function. In summary, this variant meets criteria to be classified as pathogenic for autosomal recessive phenylalanine hydroxylase deficiency. ACMG/AMP Criteria applied: PM3_VeryStrong, PS3, PP3, PP4_Moderate, BS1_Supporting.

Institute for Clinical Genetics, University Hospital TU Dresden, University Hospital TU Dresden
Classification: Uncertain significance. Last evaluated: 2021-11-03. Review status: criteria provided, single submitter. Criteria: ACMG Guidelines, 2015. Collection method: clinical testing. Allele origin: germline. Not counted in ClinVar's aggregate classification.

Genome-Nilou Lab
Classification: Pathogenic for Phenylketonuria. Last evaluated: 2021-07-22. Review status: criteria provided, single submitter. Criteria: ACMG Guidelines, 2015. Collection method: clinical testing. Allele origin: germline. Affected: no. Not counted in ClinVar's aggregate classification.

CENTOGENE GmbH and LLC - Guiding Precision Medicine
Classification: Likely pathogenic for Phenylketonuria. Last evaluated: 2021-07-21. Review status: criteria provided, single submitter. Criteria: ACMG Guidelines, 2015. Collection method: clinical testing. Allele origin: germline. Affected: yes. Not counted in ClinVar's aggregate classification.

Quest Diagnostics Nichols Institute San Juan Capistrano
Classification: Pathogenic. Last evaluated: 2021-06-14. Review status: criteria provided, single submitter. Criteria: Quest Diagnostics criteria. Collection method: clinical testing. Allele origin: unknown. Not counted in ClinVar's aggregate classification.
Comment: This variant is associated with mild hyperphenylalaninemia when present with any other disease-causing variant in the PAH gene (PMIDs: 7981714 (1994), 8533759 (1995), 8268925 (1993), 18294361 (2008), 23500595 (2013), 26600521 (2015), 27121329 (2016), 33803550 (2021)), and is present in a significant percentage of individuals with PAH deficiency (PMIDs: 10234516 (1999), 21307867 (2011), and 27121329 (2016)). Additionally, multiple functional studies have indicated this variant has reduced activity compared to wild type and may affect splicing (PMIDs: 22698810 (2012) and 27620137 (2016)).

Women's Health and Genetics/Laboratory Corporation of America, LabCorp
Classification: Pathogenic for BH4-deficient hyperphenylalaninemia A. Last evaluated: 2020-12-02. Review status: criteria provided, single submitter. Criteria: LabCorp Variant Classification Summary - May 2015. Collection method: clinical testing. Allele origin: germline. Not counted in ClinVar's aggregate classification.
Comment: Variant summary: PAH c.1139C>T (p.Thr380Met) results in a non-conservative amino acid change located in the Aromatic amino acid hydroxylase, C-terminal domain (IPR019774) of the encoded protein sequence. Five of five in-silico tools predict a damaging effect of the variant on protein function. The variant allele was found at a frequency of 0.00044 in 251264 control chromosomes in the gnomAD database, including 1 homozygote. This frequency is not significantly higher than expected for a pathogenic variant in PAH causing Hyperphenylalaninemia (0.00044 vs 0.0079), allowing no conclusion about variant significance. c.1139C>T has been reported in the literature in multiple individuals affected with Hyperphenylalaninemia (example, Ho_2013, Zschocke_1995, Bercovich_2008, Guldberg_1998, Heintz_2012, Zekanowski_1997). These data indicate that the variant is very likely to be associated with disease. At least one publication reports experimental evidence evaluating an impact on protein function (Heintz_2012). The most pronounced variant effect results in 30%-50% of normal PAH activity. Multiple clinical diagnostic laboratories and one expert panel (ClinGen PAH Variant Curation Expert Panel) have submitted clinical-significance assessments for this variant to ClinVar after 2014 as pathogenic. Based on the evidence outlined above, the variant was classified as pathogenic.